The following is an entry in ClinVar:

ClinVar aggregate classification (germline): Uncertain significance (1 of 4 stars; one submission).

Submission:

Labcorp Genetics (formerly Invitae), Labcorp
Classification: Uncertain significance. Last evaluated: 2025-11-26. Review status: criteria provided, single submitter. Criteria: Invitae Variant Classification Sherloc (09022015). Collection method: clinical testing. Allele origin: germline.
Comment: This sequence change creates a premature translational stop signal (p.Pro185Leufs*31) in the SAMD9L gene. While this is not anticipated to result in nonsense mediated decay, it is expected to disrupt the last 1400 amino acid(s) of the SAMD9L protein. This variant is not present in population databases (gnomAD no frequency). This variant has not been reported in the literature in individuals affected with SAMD9L-related conditions. Experimental studies and prediction algorithms are not available or were not evaluated, and the functional significance of this variant is currently unknown. In summary, the available evidence is currently insufficient to determine the role of this variant in disease. Therefore, it has been classified as a Variant of Uncertain Significance.

NM_152703.5(SAMD9L):c.554del (p.Pro185fs)

Gene: SAMD9L (sterile alpha motif domain containing 9 like; minus strand). Cytogenetic location: 7q21.2.
Variant type: Deletion.
Coding change: c.554del on transcript NM_152703.5 (MANE Select); coding-DNA position 554, one base deleted (C; older notation c.554delC).
Protein change: p.Pro185fs; shifts the reading frame from proline 185.
Molecular consequence: frameshift variant.
Genome position (GRCh38, 1-based): chr7:93,135,418, G deleted on the plus strand (C on the coding strand, the reverse complement: SAMD9L is on the minus strand); the first of 2 consecutive G bases (chr7:93,135,418-93,135,419); deleting either gives the same sequence. VCF-style (leftmost placement, unchanged base first): chr7-93135417-AG-A. GRCh37 (hg19) VCF-style: chr7-92764730-AG-A.
Other names: c.554del, p.Pro185fs (NM_001303496.3, NM_001303497.3, NM_001303498.3 and 5 more transcripts); short protein forms P185fs.
Identifiers: ClinVar variation 4711386 (VCV004711386.1).